The following is an entry in ClinVar:

NM_000937.5(POLR2A):c.3700A>G (p.Lys1234Glu)

Gene: POLR2A (RNA polymerase II subunit A; plus strand). Cytogenetic location: 17p13.1.
Variant type: single nucleotide variant.
Coding change: c.3700A>G on transcript NM_000937.5 (MANE Select); coding-DNA position 3700, A replaced by G.
Protein change: p.Lys1234Glu; replaces lysine 1234 with glutamic acid.
Molecular consequence: missense variant.
Genome position (GRCh38, 1-based): chr17:7,509,178, A>G. VCF-style: chr17-7509178-A-G. GRCh37 (hg19) VCF-style: chr17-7412497-A-G.
Other names: short protein forms K1234E.
Identifiers: ClinVar variation 1331629 (VCV001331629.4), dbSNP rs2150887735, ClinGen allele CA397812417.

ClinVar aggregate classification (germline): Likely pathogenic (1 of 4 stars; one submission).

Submission:

Greenwood Genetic Center Diagnostic Laboratories, Greenwood Genetic Center
Classification: Likely pathogenic. Last evaluated: 2021-01-04. Review status: criteria provided, single submitter. Criteria: ACMG Guidelines, 2015. Collection method: clinical testing. Allele origin: germline. Affected: yes.
Comment: PS2, PM2